The following is an entry in ClinVar:

NM_001458.5(FLNC):c.2125G>A (p.Ala709Thr)

Genes: FLNC (filamin C; plus strand), LOC129999273 (ATAC-STARR-seq lymphoblastoid silent region 18616; plus strand). Cytogenetic location: 7q32.1.
Variant type: single nucleotide variant.
Coding change: c.2125G>A on transcript NM_001458.5 (MANE Select); coding-DNA position 2125, G replaced by A.
Protein change: p.Ala709Thr; replaces alanine 709 with threonine.
Molecular consequence: missense variant.
Genome position (GRCh38, 1-based): chr7:128,842,234, G>A. VCF-style: chr7-128842234-G-A. GRCh37 (hg19) VCF-style: chr7-128482288-G-A.
Other names: p.Ala709Thr; c.2125G>A, p.Ala709Thr (NM_001127487.2); short protein forms A709T.
Identifiers: ClinVar variation 258132 (VCV000258132.52), dbSNP rs192725607, ClinGen allele CA4474608.

ClinVar aggregate classification (germline): Benign/Likely benign. Review status: criteria provided, multiple submitters, no conflicts (2 of 4 stars). 13 submissions from 13 submitters: Benign (2); Likely benign (8). 3 of the submissions do not count toward it. Last evaluated 2026-09-21.

Conditions:
Hypertrophic cardiomyopathy 26. Also called: Cardiomyopathy, familial hypertrophic, 26. Identifiers: Orphanet 75249, MedGen C4310749, MONDO:0014883, OMIM 617047.
Distal myopathy with posterior leg and anterior hand involvement. Also called: WILLIAMS DISTAL MYOPATHY. Identifiers: Orphanet 63273, MedGen C3279722, MONDO:0013550, OMIM 614065.
Myofibrillar myopathy 5. Also called: Filaminopathy (type); FILAMINOPATHY, AUTOSOMAL DOMINANT. Identifiers: Orphanet 171445, MedGen C1836050, MONDO:0012289, OMIM 609524.
Cardiovascular phenotype. Identifiers: MedGen CN230736.

Allele frequency attached by ClinVar (database versions not stated): ESP Exome Variant Server 0.00016; 1000 Genomes Project 0.00020; 1000 Genomes Project 30x 0.00047; gnomAD 0.00053; gnomAD exomes 0.00062 and 0.00108; TOPMed 0.00072; ExAC 0.00107.
gnomAD v4.1: 960 of 1,613,610 alleles (0.059%); highest among the groups gnomAD compares: Admixed American, 0.33%; 4 homozygotes.

Submissions (13):

Molecular Diagnostic Laboratory for Inherited Cardiovascular Disease, Montreal Heart Institute
Classification: Likely benign. Last evaluated: 2026-09-21. Review status: criteria provided, single submitter. Criteria: ACMG Guidelines, 2015. Collection method: clinical testing. Allele origin: germline. Affected: no.
Comment: BS1,BP4

CeGaT Center for Human Genetics Tuebingen
Classification: Likely benign. Last evaluated: 2026-09-01. Review status: criteria provided, single submitter. Criteria: CeGaT Center For Human Genetics Tuebingen Variant Classification Criteria Version 2. Collection method: clinical testing. Allele origin: germline. Affected: yes. Observed: 12 variant alleles.
Comment: FLNC: BS1

Labcorp Genetics (formerly Invitae), Labcorp
Classification: Likely benign for Distal myopathy with posterior leg and anterior hand involvement; Myofibrillar myopathy 5; Hypertrophic cardiomyopathy 26. Last evaluated: 2026-01-28. Review status: criteria provided, single submitter. Criteria: Invitae Variant Classification Sherloc (09022015). Collection method: clinical testing. Allele origin: germline.

Women's Health and Genetics/Laboratory Corporation of America, LabCorp
Classification: Likely benign. Last evaluated: 2025-12-05. Review status: criteria provided, single submitter. Criteria: LabCorp Variant Classification Summary - May 2015. Collection method: clinical testing. Allele origin: germline.

Mayo Clinic Laboratories, Mayo Clinic
Classification: Likely benign. Last evaluated: 2025-05-29. Review status: criteria provided, single submitter. Criteria: ACMG Guidelines, 2015. Collection method: clinical testing. Allele origin: germline. Observed: 3 variant alleles.
Comment: BS1, BP4

Blueprint Genetics
Classification: Likely benign. Last evaluated: 2024-11-19. Review status: criteria provided, single submitter. Criteria: ACMG Guidelines, 2015. Collection method: clinical testing. Allele origin: germline.

Athena Diagnostics
Classification: Benign. Last evaluated: 2021-02-15. Review status: criteria provided, single submitter. Criteria: Athena Diagnostics criteria. Collection method: clinical testing. Allele origin: unknown.

GeneDx
Classification: Benign. Last evaluated: 2020-05-04. Review status: criteria provided, single submitter. Criteria: GeneDx Variant Classification Process June 2021. Collection method: clinical testing. Allele origin: germline. Affected: yes.

Ambry Genetics
Classification: Likely benign for Cardiovascular phenotype. Last evaluated: 2019-09-06. Review status: criteria provided, single submitter. Criteria: Ambry Variant Classification Scheme 2023. Collection method: clinical testing. Allele origin: germline.

PreventionGenetics, part of Exact Sciences
Classification: Likely benign. Review status: criteria provided, single submitter. Criteria: ACMG Guidelines, 2015. Collection method: clinical testing. Allele origin: germline.

Clinical Genetics, Academic Medical Center
Classification: Benign. Review status: no assertion criteria provided. Collection method: clinical testing. Allele origin: germline. Affected: yes. Study: VKGL Data-share Consensus. Not counted in ClinVar's aggregate classification.

Genome Diagnostics Laboratory, University Medical Center Utrecht
Classification: Likely benign. Review status: no assertion criteria provided. Collection method: clinical testing. Allele origin: germline. Affected: yes. Study: VKGL Data-share Consensus. Not counted in ClinVar's aggregate classification.

Joint Genome Diagnostic Labs from Nijmegen and Maastricht, Radboudumc and MUMC+
Classification: Likely benign. Review status: no assertion criteria provided. Collection method: clinical testing. Allele origin: germline. Affected: yes. Study: VKGL Data-share Consensus. Not counted in ClinVar's aggregate classification.